The following is an entry in ClinVar:

ClinVar aggregate classification (germline): Uncertain significance (1 of 4 stars; one submission).

Conditions:
Autoimmune enteropathy and endocrinopathy - susceptibility to chronic infections syndrome. Also called: Immunodeficiency 31C, autosomal dominant; Immunodeficiency 31C. Identifiers: Orphanet 391487, MedGen C3279990, MONDO:0013599, OMIM 614162.
Mendelian susceptibility to mycobacterial diseases due to partial STAT1 deficiency. Also called: IMMUNODEFICIENCY 31A, MYCOBACTERIOSIS, AUTOSOMAL DOMINANT; STAT1 DEFICIENCY, AUTOSOMAL DOMINANT; Immunodeficiency 31a. Identifiers: Orphanet 319595, MedGen C4013950, MONDO:0013956, OMIM 614892.
Immunodeficiency 31B. Also called: STAT1 DEFICIENCY, AUTOSOMAL RECESSIVE; IMMUNODEFICIENCY 31B, MYCOBACTERIAL AND VIRAL INFECTIONS, AUTOSOMAL RECESSIVE. Identifiers: Orphanet 391311, MedGen C3151088, MONDO:0013427, OMIM 613796.

Allele frequency attached by ClinVar (database versions not stated): gnomAD 0.00001.
gnomAD v4.1: 2 of 1,614,118 alleles (0.00012%); highest among the groups gnomAD compares: Non-Finnish European, 0.00017%; no homozygotes.

Submission:

Labcorp Genetics (formerly Invitae), Labcorp
Classification: Uncertain significance for Mendelian susceptibility to mycobacterial diseases due to partial STAT1 deficiency; Immunodeficiency 31B; Autoimmune enteropathy and endocrinopathy - susceptibility to chronic infections syndrome. Last evaluated: 2025-10-07. Review status: criteria provided, single submitter. Criteria: Invitae Variant Classification Sherloc (09022015). Collection method: clinical testing. Allele origin: germline.
Comment: This sequence change replaces serine, which is neutral and polar, with asparagine, which is neutral and polar, at codon 503 of the STAT1 protein (p.Ser503Asn). This variant is present in population databases (no rsID available, gnomAD 0.007%). This variant has not been reported in the literature in individuals affected with STAT1-related conditions. ClinVar contains an entry for this variant (Variation ID: 2938728). An algorithm developed to predict the effect of missense changes on protein structure and function (PolyPhen-2) suggests that this variant is likely to be disruptive. In summary, the available evidence is currently insufficient to determine the role of this variant in disease. Therefore, it has been classified as a Variant of Uncertain Significance.

NM_007315.4(STAT1):c.1508G>A (p.Ser503Asn)

Gene: STAT1 (signal transducer and activator of transcription 1; minus strand). Cytogenetic location: 2q32.2.
Variant type: single nucleotide variant.
Coding change: c.1508G>A on transcript NM_007315.4 (MANE Select); coding-DNA position 1508, G replaced by A.
Protein change: p.Ser503Asn; replaces serine 503 with asparagine.
Molecular consequence: missense variant.
Genome position (GRCh38, 1-based): chr2:190,982,457, C>T on the plus strand (G>A on the coding strand, the complement: STAT1 is on the minus strand). VCF-style: chr2-190982457-C-T. GRCh37 (hg19) VCF-style: chr2-191847183-C-T.
Other names: c.1448G>A, p.Ser483Asn (NM_001384880.1); c.1514G>A, p.Ser505Asn (NM_001384881.1, NM_001384884.1); c.1502G>A, p.Ser501Asn (NM_001384882.1); c.1409G>A, p.Ser470Asn (NM_001384883.1); c.1349G>A, p.Ser450Asn (NM_001384885.1); c.1508G>A, p.Ser503Asn (NM_001384886.1, NM_001384889.1, NM_139266.3); c.1415G>A, p.Ser472Asn (NM_001384887.1); c.1478G>A, p.Ser493Asn (NM_001384888.1); and 2 more; short protein forms S470N, S505N, S493N, S472N, S450N, S473N, S483N, S501N.
Identifiers: ClinVar variation 2938728 (VCV002938728.3), dbSNP rs1185249247, ClinGen allele CA349916741.